The following is an entry in ClinVar:

NM_032492.4(JAGN1):c.346A>G (p.Ile116Val)

Gene: JAGN1 (jagunal vesicle mediated transporter 1; plus strand). Cytogenetic location: 3p25.3.
Variant type: single nucleotide variant.
Coding change: c.346A>G on transcript NM_032492.4 (MANE Select); coding-DNA position 346, A replaced by G.
Protein change: p.Ile116Val; replaces isoleucine 116 with valine.
Molecular consequence: missense variant.
Genome position (GRCh38, 1-based): chr3:9,893,171, A>G. VCF-style: chr3-9893171-A-G. GRCh37 (hg19) VCF-style: chr3-9934855-A-G.
Other names: c.184A>G, p.Ile62Val (NM_001363890.1); short protein forms I116V, I62V.
Identifiers: ClinVar variation 1006422 (VCV001006422.5), dbSNP rs1467031121, ClinGen allele CA351716075.
Genomic context (GRCh38, chr3:9,893,171, plus strand): 5'-AACATTAGCTACCTGGTGCTCTCCATGATCAGCATGGGACTCTTTTCCATCGCTCCACTC[A>G]TTTATGGCAGCATGGAGATGTTCCCTGCTGCACAGCAGCTCTACCGCCATGGCAAGGCCT-3'
Protein context (NP_115881.3, residues 106-126): SMGLFSIAPL[Ile116Val]YGSMEMFPAA

ClinVar aggregate classification (germline): Uncertain significance (1 of 4 stars; one submission).

Conditions:
Autosomal recessive severe congenital neutropenia due to JAGN1 deficiency. Also called: Severe congenital neutropenia 6, autosomal recessive. Identifiers: Orphanet 423384, MedGen C4014954, MONDO:0014456, OMIM 616022.

Allele frequency attached by ClinVar (database versions not stated): gnomAD exomes below 0.00001; TOPMed below 0.00001.
gnomAD v4.1: 1 of 1,614,132 alleles (0.000062%); highest among the groups gnomAD compares: African/African-American, 0.0013%; no homozygotes.

Submission:

Labcorp Genetics (formerly Invitae), Labcorp
Classification: Uncertain significance for Autosomal recessive severe congenital neutropenia due to JAGN1 deficiency. Last evaluated: 2020-01-08. Review status: criteria provided, single submitter. Criteria: Invitae Variant Classification Sherloc (09022015). Collection method: clinical testing. Allele origin: germline.
Comment: This variant is not present in population databases (ExAC no frequency). This sequence change replaces isoleucine with valine at codon 116 of the JAGN1 protein (p.Ile116Val). The isoleucine residue is highly conserved and there is a small physicochemical difference between isoleucine and valine. This variant has not been reported in the literature in individuals with JAGN1-related conditions. In summary, the available evidence is currently insufficient to determine the role of this variant in disease. Therefore, it has been classified as a Variant of Uncertain Significance. Algorithms developed to predict the effect of missense changes on protein structure and function (SIFT, PolyPhen-2, Align-GVGD) all suggest that this variant is likely to be tolerated, but these predictions have not been confirmed by published functional studies and their clinical significance is uncertain.